The following is an entry in ClinVar:

NM_080732.4(EGLN2):c.905A>G (p.His302Arg)

Genes: EGLN2 (egl-9 family hypoxia inducible factor 2; plus strand), RAB4B-EGLN2 (RAB4B-EGLN2 readthrough (NMD candidate); plus strand). Cytogenetic location: 19q13.2.
Variant type: single nucleotide variant.
Coding change: c.905A>G on transcript NM_080732.4 (MANE Select); coding-DNA position 905, A replaced by G.
Protein change: p.His302Arg; replaces histidine 302 with arginine.
Molecular consequence: missense variant. On other transcripts: non-coding transcript variant (1).
Genome position (GRCh38, 1-based): chr19:40,806,616, A>G. VCF-style: chr19-40806616-A-G. GRCh37 (hg19) VCF-style: chr19-41312521-A-G.
Other names: c.905A>G, p.His302Arg (NM_053046.4); short protein forms H302R.
Identifiers: ClinVar variation 2449354 (VCV002449354.2), dbSNP rs2516006454, ClinGen allele CA405956236.
Genomic context (GRCh38, chr19:40,806,616, plus strand): 5'-CCATGGTGGCGTGTTACCCAGGCAACGGGCTCGGGTACGTAAGGCACGTTGACAATCCCC[A>G]CGGCGATGGGCGCTGCATCACCTGTATCTATTACCTGAATCAGAACTGGGACGTTAAGGT-3'
Protein context (NP_542770.2, residues 292-312): LGYVRHVDNP[His302Arg]GDGRCITCIY

ClinVar aggregate classification (germline): Uncertain significance (1 of 4 stars; one submission).

Submission:

Ambry Genetics
Classification: Uncertain significance. Last evaluated: 2022-11-23. Review status: criteria provided, single submitter. Criteria: Ambry Variant Classification Scheme 2023. Collection method: clinical testing. Allele origin: germline.
Comment: The p.H302R variant (also known as c.905A>G), located in coding exon 2 of the EGLN2 gene, results from an A to G substitution at nucleotide position 905. The histidine at codon 302 is replaced by arginine, an amino acid with highly similar properties. This amino acid position is conserved. In addition, this alteration is predicted to be tolerated by in silico analysis. Since supporting evidence is limited at this time, the clinical significance of this alteration remains unclear.